The following is an entry in ClinVar:

NM_022081.6(HPS4):c.1525A>C (p.Ser509Arg)

Gene: HPS4 (HPS4 biogenesis of lysosomal organelles complex 3 subunit 2; minus strand). Cytogenetic location: 22q12.1.
Variant type: single nucleotide variant.
Coding change: c.1525A>C on transcript NM_022081.6 (MANE Select); coding-DNA position 1525, A replaced by C.
Protein change: p.Ser509Arg; replaces serine 509 with arginine.
Molecular consequence: missense variant. On other transcripts: non-coding transcript variant (8).
Genome position (GRCh38, 1-based): chr22:26,464,105, T>G on the plus strand (A>C on the coding strand, the complement: HPS4 is on the minus strand). VCF-style: chr22-26464105-T-G. GRCh37 (hg19) VCF-style: chr22-26860071-T-G.
Other names: c.1525A>C, p.Ser509Arg (NM_001349896.1, NM_001349898.2, NM_001349899.2 and 5 more transcripts); c.1579A>C, p.Ser527Arg (NM_001349900.2, NM_001349901.1); c.1510A>C, p.Ser504Arg (NM_152841.2); short protein forms S527R, S509R, S504R.
Identifiers: ClinVar variation 4782245 (VCV004782245.1).

ClinVar aggregate classification (germline): Uncertain significance (1 of 4 stars; one submission).

Submission:

Labcorp Genetics (formerly Invitae), Labcorp
Classification: Uncertain significance. Last evaluated: 2025-04-13. Review status: criteria provided, single submitter. Criteria: Invitae Variant Classification Sherloc (09022015). Collection method: clinical testing. Allele origin: germline.
Comment: This sequence change replaces serine, which is neutral and polar, with arginine, which is basic and polar, at codon 509 of the HPS4 protein (p.Ser509Arg). This variant is not present in population databases (gnomAD no frequency). This variant has not been reported in the literature in individuals affected with HPS4-related conditions. An algorithm developed to predict the effect of missense changes on protein structure and function (PolyPhen-2) suggests that this variant is likely to be disruptive. In summary, the available evidence is currently insufficient to determine the role of this variant in disease. Therefore, it has been classified as a Variant of Uncertain Significance.